The following is an entry in ClinVar:

NM_000138.5(FBN1):c.1469-2_1470dup

Gene: FBN1 (fibrillin 1; minus strand). Cytogenetic location: 15q21.1.
Variant type: Duplication.
Coding change: c.1469-2_1470dup on transcript NM_000138.5 (MANE Select); the canonical splice acceptor site of the intron before coding-DNA position 1469 through coding-DNA position 1470, 4 bases duplicated (AGAT; older notation c.1469-2_1470dupAGAT).
Molecular consequence: splice acceptor variant.
Genome position (GRCh38, 1-based): chr15:48,513,667-48,513,670, ATCT duplicated on the plus strand (AGAT on the coding strand, the reverse complement: FBN1 is on the minus strand). VCF-style (leftmost placement, unchanged base first): chr15-48513666-C-CATCT. GRCh37 (hg19) VCF-style: chr15-48805863-C-CATCT.
Other names: c.1469-2_1470dupAGAT (NM_000138.4).
Identifiers: ClinVar variation 645909 (VCV000645909.7), dbSNP rs1597580040, ClinGen allele CA915946606.

ClinVar aggregate classification (germline): Uncertain significance (1 of 4 stars; one submission).

Conditions:
Familial thoracic aortic aneurysm and aortic dissection (TAAD). Also called: Thoracic aortic aneurysms and dissections. Identifiers: Orphanet 91387, MedGen C4707243, MONDO:0019625.
Marfan syndrome (MFS). Also called: FBN1-Related Marfan Syndrome; Marfan syndrome type 1; Marfan's syndrome; Marfan syndrome, classic; MARFAN SYNDROME, TYPE I. Identifiers: Orphanet 284963, Orphanet 558, MedGen C0024796, MONDO:0007947, OMIM 154700.

Submission:

Labcorp Genetics (formerly Invitae), Labcorp
Classification: Uncertain significance for Marfan syndrome; Familial thoracic aortic aneurysm and aortic dissection. Last evaluated: 2018-07-05. Review status: criteria provided, single submitter. Criteria: Invitae Variant Classification Sherloc (09022015). Collection method: clinical testing. Allele origin: germline.
Comment: This variant is not present in population databases (ExAC no frequency). This sequence change falls in intron 12 of the FBN1 gene. It does not directly change the encoded amino acid sequence of the FBN1 protein, but it affects a nucleotide within the consensus splice site of the intron. In summary, the available evidence is currently insufficient to determine the role of this variant in disease. Therefore, it has been classified as a Variant of Uncertain Significance. Algorithms developed to predict the effect of sequence changes on RNA splicing suggest that this variant may create or strengthen a splice site, but this prediction has not been confirmed by published transcriptional studies. This variant has not been reported in the literature in individuals with FBN1-related disease.